The following is an entry in ClinVar:

ClinVar aggregate classification (germline): Conflicting classifications of pathogenicity. Review status: criteria provided, conflicting classifications (1 of 4 stars). 7 submissions from 7 submitters: Uncertain significance (4); Benign (1); Likely benign (2). Last evaluated 2026-01-24.

Conditions:
Collagen 6-related myopathy. Identifiers: MedGen CN117976, MONDO:0100225.
Bethlem myopathy 1A. Also called: Bethlem myopathy 1; MYOPATHY, BENIGN CONGENITAL, WITH CONTRACTURES; Bethlem Muscular Dystrophy. Identifiers: Orphanet 610, MedGen CN029274, MONDO:0024530, OMIM 158810.
Tip-toe gait. Also called: Toe walking. Identifiers: MedGen C0427144, HP:0030051.

Allele frequency attached by ClinVar (database versions not stated): 1000 Genomes Project 0.00020; 1000 Genomes Project 30x 0.00031; gnomAD 0.00031 and 0.00033; ExAC 0.00032; TOPMed 0.00032; gnomAD exomes 0.00033 and 0.00052; ESP Exome Variant Server 0.00038.
gnomAD v4.1: 788 of 1,612,912 alleles (0.049%); highest among the groups gnomAD compares: Non-Finnish European, 0.063%; no homozygotes.

Submissions (7):

Labcorp Genetics (formerly Invitae), Labcorp
Classification: Likely benign for Bethlem myopathy 1A. Last evaluated: 2026-01-24. Review status: criteria provided, single submitter. Criteria: Invitae Variant Classification Sherloc (09022015). Collection method: clinical testing. Allele origin: germline.

CeGaT Center for Human Genetics Tuebingen
Classification: Uncertain significance. Last evaluated: 2025-11-01. Review status: criteria provided, single submitter. Criteria: CeGaT Center For Human Genetics Tuebingen Variant Classification Criteria Version 2. Collection method: clinical testing. Allele origin: germline. Affected: yes. Observed: 1 variant allele.
Comment: COL6A2: PM2

GeneDx
Classification: Uncertain significance. Last evaluated: 2025-07-11. Review status: criteria provided, single submitter. Criteria: GeneDx Variant Classification Process June 2021. Collection method: clinical testing. Allele origin: germline. Affected: yes.
Comment: Reported previously in an individual with macular degeneration with no reported history of muscle disease (PMID: 24036952); Reported as a germline variant in an individual with gastric cancer, although no evidence of pathogenicity or further clinical information were provided (PMID: 28875981); In silico analysis supports that this missense variant has a deleterious effect on protein structure/function; This variant is associated with the following publications: (PMID: 30564623, 31805011, 24036952, 28875981)

Practice for Gait Abnormalities, David Pomarino, Competency Network Toe Walking C/o Practice Pomarino
Classification: Uncertain significance for Tip-toe gait. Last evaluated: 2024-07-31. Review status: criteria provided, single submitter. Criteria: ACMG Guidelines, 2015. Collection method: clinical testing. Allele origin: germline. Affected: yes.

Revvity Omics, Revvity
Classification: Likely benign. Last evaluated: 2024-03-26. Review status: criteria provided, single submitter. Criteria: ACMG Guidelines, 2015. Collection method: clinical testing. Allele origin: germline.

Illumina Laboratory Services, Illumina
Classification: Benign for Collagen VI-related myopathy. Last evaluated: 2018-01-13. Review status: criteria provided, single submitter. Criteria: ICSL Variant Classification Criteria 13 December 2019. Collection method: clinical testing. Allele origin: germline.
Comment: This variant was observed in the ICSL laboratory as part of a predisposition screen in an ostensibly healthy population. It had not been previously curated by ICSL or reported in the Human Gene Mutation Database (HGMD: prior to June 1st, 2018), and was therefore a candidate for classification through an automated scoring system. Utilizing variant allele frequency, disease prevalence and penetrance estimates, and inheritance mode, an automated score was calculated to assess if this variant is too frequent to cause the disease. Based on the score and internal cut-off values, a variant classified as benign is not then subjected to further curation. The score for this variant resulted in a classification of benign for this disease.

Eurofins Ntd Llc (ga)
Classification: Uncertain significance. Last evaluated: 2017-04-27. Review status: criteria provided, single submitter. Criteria: EGL Classification Definitions 2015. Collection method: clinical testing. Allele origin: germline. Observed: 6 variant alleles, 6 heterozygotes.

NM_001849.4(COL6A2):c.988G>A (p.Asp330Asn)

Gene: COL6A2 (collagen type VI alpha 2 chain; plus strand). Cytogenetic location: 21q22.3.
Variant type: single nucleotide variant.
Coding change: c.988G>A on transcript NM_001849.4 (MANE Select); coding-DNA position 988, G replaced by A.
Protein change: p.Asp330Asn; replaces aspartic acid 330 with asparagine.
Molecular consequence: missense variant.
Genome position (GRCh38, 1-based): chr21:46,116,803, G>A. VCF-style: chr21-46116803-G-A. GRCh37 (hg19) VCF-style: chr21-47536717-G-A.
Other names: c.988G>A, p.Asp330Asn (NM_058174.3, NM_058175.3); short protein forms D330N.
Identifiers: ClinVar variation 193634 (VCV000193634.67), dbSNP rs139399166, ClinGen allele CA239204.
Genomic context (GRCh38, chr21:46,116,803, plus strand): 5'-GGAGTTCCCTCTTCCTTCTCTCTTCAGGGGGCCCCTGGCCTGGCTGGCAAGAACGGGACC[G>A]ATGGACAGAAGGTAGAGGGAGCCTCGGGCTCACAGCTGGACTGGTCTCACAGAGGCATCC-3'
Protein context (NP_001840.3, residues 320-340): APGLAGKNGT[Asp330Asn]GQKGKLGRIG